The following is an entry in ClinVar:

ClinVar aggregate classification (germline): Uncertain significance. Review status: criteria provided, multiple submitters, no conflicts (2 of 4 stars). 2 submissions from 2 submitters: Uncertain significance (2). Last evaluated 2026-02-19.

Conditions:
Cardiovascular phenotype. Identifiers: MedGen CN230736.

gnomAD v4.1: 3 of 1,613,398 alleles (0.00019%); highest among the groups gnomAD compares: Non-Finnish European, 0.00025%; no homozygotes.

Submissions (2):

Women's Health and Genetics/Laboratory Corporation of America, LabCorp
Classification: Uncertain significance. Last evaluated: 2026-02-19. Review status: criteria provided, single submitter. Criteria: LabCorp Variant Classification Summary - May 2015. Collection method: clinical testing. Allele origin: germline.
Comment: Variant summary: TNXB c.6214G>T (p.Val2072Leu) results in a conservative amino acid change in the encoded protein sequence. Algorithms developed to predict the effect of missense changes on protein structure and function all suggest that this variant is likely to be tolerated. The variant was absent in 247768 control chromosomes. The available data on variant occurrences in the general population are insufficient to allow any conclusion about variant significance. To our knowledge, no occurrence of c.6214G>T in individuals affected with TNXB-related conditions and no experimental evidence demonstrating its impact on protein function have been reported. ClinVar contains an entry for this variant (Variation ID: 2464376). Based on the evidence outlined above, the variant was classified as uncertain significance.

Ambry Genetics
Classification: Uncertain significance for Cardiovascular phenotype. Last evaluated: 2022-11-19. Review status: criteria provided, single submitter. Criteria: Ambry Variant Classification Scheme 2023. Collection method: clinical testing. Allele origin: germline.
Comment: The p.V2072L variant (also known as c.6214G>T), located in coding exon 16 of the TNXB gene, results from a G to T substitution at nucleotide position 6214. The valine at codon 2072 is replaced by leucine, an amino acid with highly similar properties. This amino acid position is conserved. In addition, this alteration is predicted to be tolerated by in silico analysis. Since supporting evidence is limited at this time, the clinical significance of this alteration remains unclear.

NM_001365276.2(TNXB):c.6214G>T (p.Val2072Leu)

Gene: TNXB (tenascin XB; minus strand). Cytogenetic location: 6p21.33.
Variant type: single nucleotide variant.
Coding change: c.6214G>T on transcript NM_001365276.2 (MANE Select); coding-DNA position 6214, G replaced by T.
Protein change: p.Val2072Leu; replaces valine 2072 with leucine.
Molecular consequence: missense variant.
Genome position (GRCh38, 1-based): chr6:32,068,396, C>A on the plus strand (G>T on the coding strand, the complement: TNXB is on the minus strand). VCF-style: chr6-32068396-C-A. GRCh37 (hg19) VCF-style: chr6-32036173-C-A.
Other names: c.6214G>T, p.Val2072Leu (NM_019105.8); short protein forms V2072L.
Identifiers: ClinVar variation 2464376 (VCV002464376.3), dbSNP rs777000609, ClinGen allele CA363401785.